The following is an entry in ClinVar:

ClinVar aggregate classification (germline): Uncertain significance (1 of 4 stars; one submission).

Allele frequency attached by ClinVar (database versions not stated): gnomAD exomes below 0.00001 and 0.00001; TOPMed below 0.00001; ESP Exome Variant Server 0.00008.
gnomAD v4.1: 17 of 1,609,958 alleles (0.0011%); highest among the groups gnomAD compares: Non-Finnish European, 0.0014%; no homozygotes.

Submission:

Labcorp Genetics (formerly Invitae), Labcorp
Classification: Uncertain significance. Last evaluated: 2026-01-24. Review status: criteria provided, single submitter. Criteria: Invitae Variant Classification Sherloc (09022015). Collection method: clinical testing. Allele origin: germline.
Comment: This sequence change replaces aspartic acid, which is acidic and polar, with valine, which is neutral and non-polar, at codon 3813 of the USH2A protein (p.Asp3813Val). This variant is present in population databases (rs140483214, gnomAD 0.0009%). This variant has not been reported in the literature in individuals affected with USH2A-related conditions. ClinVar contains an entry for this variant (Variation ID: 1408145). Invitae Evidence Modeling of protein sequence and biophysical properties (such as structural, functional, and spatial information, amino acid conservation, physicochemical variation, residue mobility, and thermodynamic stability) indicates that this missense variant is not expected to disrupt USH2A protein function with a negative predictive value of 95%. In summary, the available evidence is currently insufficient to determine the role of this variant in disease. Therefore, it has been classified as a Variant of Uncertain Significance.

NM_206933.4(USH2A):c.11438A>T (p.Asp3813Val)

Gene: USH2A (usherin; minus strand). Cytogenetic location: 1q41.
Variant type: single nucleotide variant.
Coding change: c.11438A>T on transcript NM_206933.4 (MANE Select); coding-DNA position 11438, A replaced by T.
Protein change: p.Asp3813Val; replaces aspartic acid 3813 with valine.
Molecular consequence: missense variant.
Genome position (GRCh38, 1-based): chr1:215,743,287, T>A on the plus strand (A>T on the coding strand, the complement: USH2A is on the minus strand). VCF-style: chr1-215743287-T-A. GRCh37 (hg19) VCF-style: chr1-215916629-T-A.
Other names: short protein forms D3813V.
Identifiers: ClinVar variation 1408145 (VCV001408145.8), dbSNP rs140483214, ClinGen allele CA37406958.